The following is an entry in ClinVar:

NM_020843.4(SCAPER):c.2980T>C (p.Tyr994His)

Gene: SCAPER (S-phase cyclin A associated protein in the ER; minus strand). Cytogenetic location: 15q24.3.
Variant type: single nucleotide variant.
Coding change: c.2980T>C on transcript NM_020843.4 (MANE Select); coding-DNA position 2980, T replaced by C.
Protein change: p.Tyr994His; replaces tyrosine 994 with histidine.
Molecular consequence: missense variant. On other transcripts: non-coding transcript variant (1).
Genome position (GRCh38, 1-based): chr15:76,471,310, A>G on the plus strand (T>C on the coding strand, the complement: SCAPER is on the minus strand). VCF-style: chr15-76471310-A-G. GRCh37 (hg19) VCF-style: chr15-76763651-A-G.
Other names: c.2242T>C, p.Tyr748His (NM_001145923.2); c.2998T>C, p.Tyr1000His (NM_001353009.2); c.2578T>C, p.Tyr860His (NM_001353010.2, NM_001353012.2); c.2596T>C, p.Tyr866His (NM_001353011.2); short protein forms Y860H, Y866H, Y748H, Y994H, Y1000H.
Identifiers: ClinVar variation 5000045 (VCV005000045.1).

ClinVar aggregate classification (germline): Uncertain significance (1 of 4 stars; one submission).

Conditions:
SCAPER-related disorder. Also called: SCAPER-related condition.

Submission:

PreventionGenetics, part of Exact Sciences
Classification: Uncertain significance for SCAPER-related condition. Last evaluated: 2025-02-05. Review status: criteria provided, single submitter. Criteria: ACMG Guidelines, 2015. Collection method: clinical testing. Allele origin: germline.
Comment: The SCAPER c.2998T>C variant is predicted to result in the amino acid substitution p.Tyr1000His. To our knowledge, this variant has not been reported in the literature or in a large population database (gnomAD), indicating this variant is rare. At this time, the clinical significance of this variant is uncertain due to the absence of conclusive functional and genetic evidence.